The following is an entry in ClinVar:

NM_003074.4(SMARCC1):c.541G>A (p.Ala181Thr)

Gene: SMARCC1 (SWI/SNF related BAF chromatin remodeling complex subunit C1; minus strand). Cytogenetic location: 3p21.31.
Variant type: single nucleotide variant.
Coding change: c.541G>A on transcript NM_003074.4 (MANE Select); coding-DNA position 541, G replaced by A.
Protein change: p.Ala181Thr; replaces alanine 181 with threonine.
Molecular consequence: missense variant.
Genome position (GRCh38, 1-based): chr3:47,736,069, C>T on the plus strand (G>A on the coding strand, the complement: SMARCC1 is on the minus strand). VCF-style: chr3-47736069-C-T. GRCh37 (hg19) VCF-style: chr3-47777559-C-T.
Other names: c.541G>A (NM_003074.3); short protein forms A181T.
Identifiers: ClinVar variation 4083556 (VCV004083556.9).

ClinVar aggregate classification (germline): Benign/Likely benign. Review status: criteria provided, multiple submitters, no conflicts (2 of 4 stars). 2 submissions from 2 submitters: Benign (1); Likely benign (1). Last evaluated 2026-06-01.

Conditions:
SMARCC1-related disorder. Also called: SMARCC1-related condition.

gnomAD v4.1: 2,260 of 1,600,078 alleles (0.14%); highest among the groups gnomAD compares: Non-Finnish European, 0.18%; 5 homozygotes.

Submissions (2):

CeGaT Center for Human Genetics Tuebingen
Classification: Benign. Last evaluated: 2026-06-01. Review status: criteria provided, single submitter. Criteria: CeGaT Center For Human Genetics Tuebingen Variant Classification Criteria Version 2. Collection method: clinical testing. Allele origin: germline. Affected: yes. Observed: 2 variant alleles.
Comment: SMARCC1: BS1, BS2

PreventionGenetics, part of Exact Sciences
Classification: Likely benign for SMARCC1-related condition. Last evaluated: 2024-11-06. Review status: criteria provided, single submitter. Criteria: ACMG Guidelines, 2015. Collection method: clinical testing. Allele origin: germline.
Comment: This variant is classified as likely benign based on ACMG/AMP sequence variant interpretation guidelines (Richards et al. 2015 PMID: 25741868, with internal and published modifications).